The following is an entry in ClinVar:

NM_004563.4(PCK2):c.1553T>C (p.Met518Thr)

Genes: NRL (neural retina leucine zipper; minus strand), PCK2 (phosphoenolpyruvate carboxykinase 2, mitochondrial; plus strand). Cytogenetic location: 14q12.
Variant type: single nucleotide variant.
Coding change: c.1553T>C on transcript NM_004563.4 (MANE Select); coding-DNA position 1553, T replaced by C.
Protein change: p.Met518Thr; replaces methionine 518 with threonine.
Molecular consequence: missense variant. On other transcripts: intron variant (3).
Genome position (GRCh38, 1-based): chr14:24,103,594, T>C. VCF-style: chr14-24103594-T-C. GRCh37 (hg19) VCF-style: chr14-24572803-T-C.
Other names: c.1151T>C, p.Met384Thr (NM_001291556.2, NM_001308054.2); c.-28+11128A>G (NM_001354768.3, NM_001354770.2); c.-254+11128A>G (NM_006177.5); c.1553T>C (NM_004563.2); short protein forms M384T, M518T.
Identifiers: ClinVar variation 2733407 (VCV002733407.4), dbSNP rs778296517, ClinGen allele CA7123561.
Genomic context (GRCh38, chr14:24,103,594, plus strand): 5'-TTGCCATGCGGCCCTTTTTTGGCTACAACTTCGGGCACTACCTGGAACACTGGCTGAGCA[T>C]GGAAGGGCGCAAGGGGGCCCAGCTGCCCCGTATCTTCCATGTCAACTGGTTCCGGCGTGA-3'
Protein context (NP_004554.3, residues 508-528): FGHYLEHWLS[Met518Thr]EGRKGAQLPR

ClinVar aggregate classification (germline): Uncertain significance. Review status: criteria provided, multiple submitters, no conflicts (2 of 4 stars). 2 submissions from 2 submitters: Uncertain significance (2). Last evaluated 2025-08-01.

Allele frequency attached by ClinVar (database versions not stated): ExAC 0.00004; gnomAD 0.00004; TOPMed 0.00005; gnomAD exomes 0.00007.
gnomAD v4.1: 103 of 1,609,364 alleles (0.0064%); highest among the groups gnomAD compares: Non-Finnish European, 0.0083%; no homozygotes.

Submissions (2):

Ambry Genetics
Classification: Uncertain significance. Last evaluated: 2025-08-01. Review status: criteria provided, single submitter. Criteria: Ambry Variant Classification Scheme 2023. Collection method: clinical testing. Allele origin: germline.

Labcorp Genetics (formerly Invitae), Labcorp
Classification: Uncertain significance. Last evaluated: 2024-08-13. Review status: criteria provided, single submitter. Criteria: Invitae Variant Classification Sherloc (09022015). Collection method: clinical testing. Allele origin: germline.
Comment: This sequence change replaces methionine, which is neutral and non-polar, with threonine, which is neutral and polar, at codon 518 of the PCK2 protein (p.Met518Thr). This variant is present in population databases (rs778296517, gnomAD 0.005%). This variant has not been reported in the literature in individuals affected with PCK2-related conditions. Advanced modeling of protein sequence and biophysical properties (such as structural, functional, and spatial information, amino acid conservation, physicochemical variation, residue mobility, and thermodynamic stability) performed at Invitae indicates that this missense variant is not expected to disrupt PCK2 protein function with a negative predictive value of 80%. In summary, the available evidence is currently insufficient to determine the role of this variant in disease. Therefore, it has been classified as a Variant of Uncertain Significance.